The following is an entry in ClinVar:

NM_000138.5(FBN1):c.8155A>G (p.Lys2719Glu)

Gene: FBN1 (fibrillin 1; minus strand). Cytogenetic location: 15q21.1.
Variant type: single nucleotide variant.
Coding change: c.8155A>G on transcript NM_000138.5 (MANE Select); coding-DNA position 8155, A replaced by G.
Protein change: p.Lys2719Glu; replaces lysine 2719 with glutamic acid.
Molecular consequence: missense variant.
Genome position (GRCh38, 1-based): chr15:48,412,640, T>C on the plus strand (A>G on the coding strand, the complement: FBN1 is on the minus strand). VCF-style: chr15-48412640-T-C. GRCh37 (hg19) VCF-style: chr15-48704837-T-C.
Other names: c.8155A>G, p.Lys2719Glu (NM_001406716.1); short protein forms K2719E.
Identifiers: ClinVar variation 2645311 (VCV002645311.25), dbSNP rs2041165600, ClinGen allele CA392321056.

ClinVar aggregate classification (germline): Uncertain significance. Review status: criteria provided, multiple submitters, no conflicts (2 of 4 stars). 2 submissions from 2 submitters: Uncertain significance (2). Last evaluated 2023-03-07.

Conditions:
Marfan syndrome (MFS). Also called: FBN1-Related Marfan Syndrome; MARFAN SYNDROME, TYPE I; Marfan syndrome type 1; Marfan's syndrome; Marfan syndrome, classic. Identifiers: Orphanet 284963, Orphanet 558, MedGen C0024796, MONDO:0007947, OMIM 154700.

Allele frequency attached by ClinVar (database versions not stated): gnomAD exomes below 0.00001; TOPMed below 0.00001.
gnomAD v4.1: 1 of 1,614,244 alleles (0.000062%); highest among the groups gnomAD compares: Non-Finnish European, 0.000085%; no homozygotes.

Submissions (2):

All of Us Research Program, National Institutes of Health
Classification: Uncertain significance for Marfan syndrome. Last evaluated: 2023-03-07. Review status: criteria provided, single submitter. Criteria: ACMG Guidelines, 2015. Collection method: clinical testing. Allele origin: germline. Inheritance: Autosomal dominant inheritance. Observed: 1 variant allele, 1 heterozygote.
Comment: This missense variant replaces lysine with glutamic acid at codon 2719 of the FBN1 protein. Computational prediction suggests that this variant may have deleterious impact on protein structure and function (internally defined REVEL score threshold >= 0.7, PMID: 27666373). To our knowledge, functional studies have not been reported for this variant. This variant has not been reported in individuals affected with FBN1-related disorders in the literature. This variant has not been identified in the general population by the Genome Aggregation Database (gnomAD). The available evidence is insufficient to determine the role of this variant in disease conclusively. Therefore, this variant is classified as a Variant of Uncertain Significance.

This study involves interpretation of variants in research participants for the purpose of population health screening. Participant phenotype was not available at the time of variant classification. Additional details can be found in publication PMID: 35346344, PMCID: PMC8962531

CeGaT Center for Human Genetics Tuebingen
Classification: Uncertain significance. Last evaluated: 2022-07-01. Review status: criteria provided, single submitter. Criteria: CeGaT Center For Human Genetics Tuebingen Variant Classification Criteria Version 2. Collection method: clinical testing. Allele origin: germline. Affected: yes. Observed: 1 variant allele.
Comment: FBN1: PM2, PP2, PP3